The following is an entry in ClinVar:

NM_000051.4(ATM):c.8672-1G>C

Genes: ATM (ATM serine/threonine kinase; plus strand), C11orf65 (chromosome 11 open reading frame 65; minus strand). Cytogenetic location: 11q22.3.
Variant type: single nucleotide variant.
Coding change: c.8672-1G>C on transcript NM_000051.4 (MANE Select); the canonical splice acceptor site of the intron before coding-DNA position 8672, G replaced by C.
Molecular consequence: splice acceptor variant. On other transcripts: intron variant (2).
Genome position (GRCh38, 1-based): chr11:108,353,765, G>C. VCF-style: chr11-108353765-G-C. GRCh37 (hg19) VCF-style: chr11-108224492-G-C.
Other names: c.8672-1G>C (NM_001351834.2); c.640+32155C>G (NM_001330368.2); c.695-18473C>G (NM_001351110.2).
Identifiers: ClinVar variation 280478 (VCV000280478.12), dbSNP rs876660088, ClinGen allele CA10603097.

ClinVar aggregate classification (germline): Pathogenic/Likely pathogenic. Review status: criteria provided, multiple submitters, no conflicts (2 of 4 stars). 3 submissions from 3 submitters: Pathogenic (1); Likely pathogenic (2). Last evaluated 2026-02-13.

Conditions:
Familial cancer of breast. Also called: hereditary breast carcinoma; Hereditary breast cancer; BREAST CANCER, FAMILIAL. Identifiers: Orphanet 227535, MedGen C0346153, MONDO:0016419, OMIM 114480. Disease mechanism: loss of function.
Ataxia-telangiectasia syndrome (AT). Also called: Ataxia telangiectasia (A-T); Cerebello-oculocutaneous telangiectasia; Immunodeficiency with ataxia telangiectasia; LOUIS-BAR SYNDROME; AT, COMPLEMENTATION GROUP C; ATAXIA-TELANGIECTASIA, FRESNO VARIANT. Identifiers: Orphanet 100, MedGen C0004135, MONDO:0008840, OMIM 208900.

Allele frequency attached by ClinVar (database versions not stated): gnomAD exomes below 0.00001.
gnomAD v4.1: 1 of 1,598,408 alleles (0.000063%); highest among the groups gnomAD compares: Non-Finnish European, 0.000086%; no homozygotes.

Submissions (3):

Myriad Genetics, Inc.
Classification: Likely pathogenic for Familial cancer of breast. Last evaluated: 2026-02-13. Review status: criteria provided, single submitter. Criteria: Myriad Autosomal Dominant, Autosomal Recessive and X-Linked Classification Criteria (2023). Collection method: clinical testing. Allele origin: unknown.
Comment: This variant is considered likely pathogenic. This variant occurs within a consensus splice junction and is predicted to result in abnormal mRNA splicing of either an out-of-frame exon or an in-frame exon necessary for protein stability and/or normal function.

Labcorp Genetics (formerly Invitae), Labcorp
Classification: Likely pathogenic for Ataxia-telangiectasia syndrome. Last evaluated: 2021-04-02. Review status: criteria provided, single submitter. Criteria: Invitae Variant Classification Sherloc (09022015). Collection method: clinical testing. Allele origin: germline.
Comment: In summary, the currently available evidence indicates that the variant is pathogenic, but additional data are needed to prove that conclusively. Therefore, this variant has been classified as Likely Pathogenic. Algorithms developed to predict the effect of sequence changes on RNA splicing suggest that this variant may disrupt the consensus splice site, but this prediction has not been confirmed by published transcriptional studies. This variant has not been reported in the literature in individuals with ATM-related conditions. ClinVar contains an entry for this variant (Variation ID: 280478). This variant is not present in population databases (ExAC no frequency). This sequence change affects an acceptor splice site in intron 59 of the ATM gene. It is expected to disrupt RNA splicing. Variants that disrupt the donor or acceptor splice site typically lead to a loss of protein function (PMID: 16199547), and loss-of-function variants in ATM are known to be pathogenic (PMID: 23807571, 25614872).

GeneDx
Classification: Pathogenic. Last evaluated: 2019-09-11. Review status: criteria provided, single submitter. Criteria: GeneDx Variant Classification Process June 2021. Collection method: clinical testing. Allele origin: germline. Affected: yes.
Comment: Canonical splice site variant in a gene for which loss-of-function is a known mechanism of disease AND; Not observed in large population cohorts (Lek et al., 2016)

Literature cited by the submitters: PubMed 16199547 (cited by Labcorp Genetics (formerly Invitae), Labcorp); PubMed 23807571 (cited by Labcorp Genetics (formerly Invitae), Labcorp); PubMed 25614872 (cited by Labcorp Genetics (formerly Invitae), Labcorp).